The following is an entry in ClinVar:

NM_198241.3(EIF4G1):c.3934A>G (p.Thr1312Ala)

Gene: EIF4G1 (eukaryotic translation initiation factor 4 gamma 1; plus strand). Cytogenetic location: 3q27.1.
Variant type: single nucleotide variant.
Coding change: c.3934A>G on transcript NM_198241.3 (MANE Select); coding-DNA position 3934, A replaced by G.
Protein change: p.Thr1312Ala; replaces threonine 1312 with alanine.
Molecular consequence: missense variant.
Genome position (GRCh38, 1-based): chr3:184,327,983, A>G. VCF-style: chr3-184327983-A-G. GRCh37 (hg19) VCF-style: chr3-184045771-A-G.
Other names: c.3349A>G, p.Thr1117Ala (NM_004953.5); c.3937A>G, p.Thr1313Ala (NM_182917.4); c.3442A>G, p.Thr1148Ala (NM_198242.3); c.3673A>G, p.Thr1225Ala (NM_198244.3); c.3955A>G, p.Thr1319Ala (NM_001194946.2, NM_001194947.2); c.3814A>G, p.Thr1272Ala (NM_001291157.2); short protein forms T1117A, T1225A, T1148A, T1272A, T1313A, T1319A, T1312A.
Identifiers: ClinVar variation 4983950 (VCV004983950.1).

ClinVar aggregate classification (germline): Likely benign (1 of 4 stars; one submission).

Conditions:
EIF4G1-related disorder. Also called: EIF4G1-related condition.

gnomAD v4.1: 143 of 1,606,724 alleles (0.0089%); highest among the groups gnomAD compares: African/African-American, 0.079%; no homozygotes.

Submission:

PreventionGenetics, part of Exact Sciences
Classification: Likely benign for EIF4G1-related condition. Last evaluated: 2025-08-18. Review status: criteria provided, single submitter. Criteria: ACMG Guidelines, 2015. Collection method: clinical testing. Allele origin: germline.
Comment: This variant is classified as likely benign based on ACMG/AMP sequence variant interpretation guidelines (Richards et al. 2015 PMID: 25741868, with internal and published modifications).